The following is an entry in ClinVar:

NM_002878.4(RAD51D):c.576+12G>C

Genes: RAD51D (RAD51 paralog D; minus strand), RAD51L3-RFFL (RAD51L3-RFFL readthrough; minus strand). Cytogenetic location: 17q12.
Variant type: single nucleotide variant.
Coding change: c.576+12G>C on transcript NM_002878.4 (MANE Select); 12 bases into the intron after coding-DNA position 576, G replaced by C.
Molecular consequence: intron variant.
Genome position (GRCh38, 1-based): chr17:35,106,374, C>G on the plus strand (G>C on the coding strand, the complement: RAD51D is on the minus strand). VCF-style: chr17-35106374-C-G. GRCh37 (hg19) VCF-style: chr17-33433393-C-G.
Other names: c.240+12G>C (NM_133629.3); c.636+12G>C (NM_001142571.2).
Identifiers: ClinVar variation 392781 (VCV000392781.1), dbSNP rs757751100, ClinGen allele CA16607610.

ClinVar aggregate classification (germline): Likely benign (1 of 4 stars; one submission).

Submission:

GeneDx
Classification: Likely benign. Last evaluated: 2017-01-09. Review status: criteria provided, single submitter. Criteria: GeneDx Variant Classification (06012015). Collection method: clinical testing. Allele origin: germline. Affected: yes.
Comment: This variant is considered likely benign or benign based on one or more of the following criteria: it is a conservative change, it occurs at a poorly conserved position in the protein, it is predicted to be benign by multiple in silico algorithms, and/or has population frequency not consistent with disease.